The following is an entry in ClinVar:

ClinVar aggregate classification (germline): Pathogenic (1 of 4 stars; one submission).

Conditions:
Kostmann syndrome (SCN3). Also called: Autosomal recessive severe congenital neutropenia type 3; KOSTMANN DISEASE. Identifiers: Orphanet 99749, MedGen C5235141, MONDO:0012548, OMIM 610738.

Submission:

Labcorp Genetics (formerly Invitae), Labcorp
Classification: Pathogenic for Kostmann syndrome. Last evaluated: 2022-03-16. Review status: criteria provided, single submitter. Criteria: Invitae Variant Classification Sherloc (09022015). Collection method: clinical testing. Allele origin: germline.
Comment: This sequence change creates a premature translational stop signal (p.Ile73Hisfs*6) in the HAX1 gene. It is expected to result in an absent or disrupted protein product. Loss-of-function variants in HAX1 are known to be pathogenic (PMID: 17187068). This variant is not present in population databases (gnomAD no frequency). This variant has not been reported in the literature in individuals affected with HAX1-related conditions. For these reasons, this variant has been classified as Pathogenic.

Literature cited by the submitters: PubMed 17187068.

NM_006118.4(HAX1):c.216_217insC (p.Ile73fs)

Gene: HAX1 (HCLS1 associated protein X-1; plus strand). Cytogenetic location: 1q21.3.
Variant type: Insertion.
Coding change: c.216_217insC on transcript NM_006118.4 (MANE Select); coding-DNA positions 216 to 217, C inserted.
Protein change: p.Ile73fs; shifts the reading frame from isoleucine 73.
Molecular consequence: frameshift variant.
Genome position: GRCh38 VCF-style: chr1-154273498-G-GC. GRCh37 (hg19) VCF-style: chr1-154245974-G-GC.
Other names: c.72_73insC, p.Ile25fs (NM_001018837.2); short protein forms I25fs, I73fs.
Identifiers: ClinVar variation 2098070 (VCV002098070.4), dbSNP rs2524932526, ClinGen allele CA2580061094.